The following is an entry in ClinVar:

ClinVar aggregate classification (germline): Uncertain significance (1 of 4 stars; one submission).

Conditions:
Immunodeficiency-centromeric instability-facial anomalies syndrome 3 (ICF3). Identifiers: Orphanet 2268, MedGen C4310799, MONDO:0014828, OMIM 616910.

Submission:

Laboratorio de Genetica e Diagnostico Molecular, Hospital Israelita Albert Einstein
Classification: Uncertain significance for Immunodeficiency-centromeric instability-facial anomalies syndrome 3. Last evaluated: 2025-11-18. Review status: criteria provided, single submitter. Criteria: ACMG Guidelines, 2015. Collection method: clinical testing. Allele origin: germline. Affected: yes.
Comment: ACMG classification criteria: PM2 supporting

NM_031942.5(CDCA7):c.1020dup (p.Tyr341fs)

Gene: CDCA7 (cell division cycle associated 7; plus strand). Cytogenetic location: 2q31.1.
Variant type: Duplication.
Coding change: c.1020dup on transcript NM_031942.5 (MANE Select); coding-DNA position 1020, one base duplicated (A; older notation c.1020dupA).
Protein change: p.Tyr341fs; shifts the reading frame from tyrosine 341.
Molecular consequence: frameshift variant.
Genome position (GRCh38, 1-based): chr2:173,365,577, A duplicated. VCF-style (leftmost placement, unchanged base first): chr2-173365576-T-TA. GRCh37 (hg19) VCF-style: chr2-174230304-T-TA.
Other names: c.783dup, p.Tyr262fs (NM_145810.3); short protein forms Y262fs, Y341fs.
Identifiers: ClinVar variation 4846985 (VCV004846985.1).